The following is an entry in ClinVar:

NM_000158.4(GBE1):c.1420_1421delinsTTGGTTACCCAACCCC (p.Ile474fs)

Gene: GBE1 (1,4-alpha-glucan branching enzyme 1; minus strand). Cytogenetic location: 3p12.2.
Variant type: Indel.
Coding change: c.1420_1421delinsTTGGTTACCCAACCCC on transcript NM_000158.4 (MANE Select); coding-DNA positions 1420 to 1421, AT replaced by TTGGTTACCCAACCCC.
Protein change: p.Ile474fs; shifts the reading frame from isoleucine 474.
Molecular consequence: frameshift variant.
Genome position (GRCh38, 1-based): chr3:81,581,190-81,581,191, AT replaced by GGGGTTGGGTAACCAA on the plus strand (AT replaced by TTGGTTACCCAACCCC on the coding strand, the reverse complement: GBE1 is on the minus strand). VCF-style: chr3-81581190-AT-GGGGTTGGGTAACCAA. GRCh37 (hg19) VCF-style: chr3-81630341-AT-GGGGTTGGGTAACCAA.
Other names: short protein forms I474fs.
Identifiers: ClinVar variation 5011172 (VCV005011172.1).

ClinVar aggregate classification (germline): Pathogenic (1 of 4 stars; one submission).

Conditions:
Glycogen storage disease, type IV (GSD4). Also called: AMYLOPECTINOSIS; ANDERSEN DISEASE; BRANCHER DEFICIENCY; CIRRHOSIS, FAMILIAL, WITH DEPOSITION OF ABNORMAL GLYCOGEN; GBE1 DEFICIENCY; GLYCOGEN BRANCHING ENZYME DEFICIENCY. Identifiers: Orphanet 367, MedGen C0017923, MONDO:0009292, OMIM 232500.

Submission:

Myriad Genetics, Inc.
Classification: Pathogenic for Glycogen storage disease, type IV. Last evaluated: 2024-05-14. Review status: criteria provided, single submitter. Criteria: Myriad Autosomal Dominant, Autosomal Recessive and X-Linked Classification Criteria (2023). Collection method: clinical testing. Allele origin: unknown.
Comment: NM_000158.3(GBE1):c.1420_1421del2ins16(I474Lfs*26) is expected to be pathogenic in the context of glycogen storage disease, GBE1-related. This variant is predicted to lead to an abnormal or absent protein product due to the creation of a premature termination codon in GBE1, a gene where loss-of-function variants are known to be pathogenic. Please note: this variant was assessed in the context of healthy population screening.